The following is an entry in ClinVar:

CM000669.1:g.76134203_76144560dup

Genes: DTX2 (deltex E3 ubiquitin ligase 2; plus strand), UPK3B (uroplakin 3B; plus strand). Cytogenetic location: 7q11.23.
Variant type: Duplication.
Identifiers: ClinVar variation 157059 (VCV000157059.2).

ClinVar aggregate classification (germline): not provided (0 of 4 stars; one submission).

Conditions:
Large for gestational age. Identifiers: MedGen C1848395, HP:0001520.

Submission:

Institute of Molecular and Cell Biology, University of Tartu
No classification provided. Condition: Large for gestational age. Review status: no classification provided. Collection method: case-control. Allele origin: unknown. Affected: yes. Study: Kasak2014.
Comment: The study aimed to determine the contribution of copy number variants in the genetic etiology of normal and complicated pregnancies. The samples represented (i) maternal blood DNA drawn from healthy pregnant women during 1st or 2nd trimester and (ii) maternal and paternal blood DNA drawn at term pregnancy cases representing normal and complicated gestations (severe preeclampsia, PE; gestational diabetes, GD; small-for-gestational age newborn, SGA; large-for-gestational age newborn, LGA). We performed CNV calling based on genome-wide genotyping dataset (Illumina HumanOmniExpress-24-v1 BeadChip) by applying three algorithms, QuantiSNP, GADA (Genome Alteration Detection Algorithm) and CNstream in parallel. The acquired CNV calls were merged with HD-CNV (Hotspot Detector for Copy Number Variants) program and only the CNVs predicted by at least two programs, were considered in subsequent analysis.

Literature cited by the submitters: PubMed 25666259.